The following is an entry in ClinVar:

NM_206933.4(USH2A):c.9185A>G (p.Tyr3062Cys)

Gene: USH2A (usherin; minus strand). Cytogenetic location: 1q41.
Variant type: single nucleotide variant.
Coding change: c.9185A>G on transcript NM_206933.4 (MANE Select); coding-DNA position 9185, A replaced by G.
Protein change: p.Tyr3062Cys; replaces tyrosine 3062 with cysteine.
Molecular consequence: missense variant.
Genome position (GRCh38, 1-based): chr1:215,844,367, T>C on the plus strand (A>G on the coding strand, the complement: USH2A is on the minus strand). VCF-style: chr1-215844367-T-C. GRCh37 (hg19) VCF-style: chr1-216017709-T-C.
Other names: short protein forms Y3062C.
Identifiers: ClinVar variation 1057273 (VCV001057273.8), dbSNP rs1368683731, ClinGen allele CA344838722.

ClinVar aggregate classification (germline): Uncertain significance. Review status: criteria provided, single submitter (1 of 4 stars). 3 submissions from 3 submitters: Uncertain significance (1). 2 of the submissions do not count toward it. Last evaluated 2021-08-20.

Conditions:
Optic atrophy. Identifiers: MedGen C0029124, MONDO:0003608, HP:0000648.
Usher syndrome type 2A. Also called: RETINAL DISEASE IN USHER SYNDROME TYPE IIA, MODIFIER OF; USHER SYNDROME, TYPE IIA. Identifiers: Orphanet 231178, Orphanet 886, MedGen C1848634, MONDO:0010169, OMIM 276901.

Allele frequency attached by ClinVar (database versions not stated): gnomAD exomes below 0.00001; gnomAD 0.00001; TOPMed 0.00001.
gnomAD v4.1: 3 of 1,613,724 alleles (0.00019%); highest among the groups gnomAD compares: African/African-American, 0.004%; no homozygotes.

Submissions (3):

Labcorp Genetics (formerly Invitae), Labcorp
Classification: Uncertain significance. Last evaluated: 2021-08-20. Review status: criteria provided, single submitter. Criteria: Invitae Variant Classification Sherloc (09022015). Collection method: clinical testing. Allele origin: germline.
Comment: This sequence change replaces tyrosine with cysteine at codon 3062 of the USH2A protein (p.Tyr3062Cys). The tyrosine residue is highly conserved and there is a large physicochemical difference between tyrosine and cysteine. This variant is not present in population databases (ExAC no frequency). This variant has not been reported in the literature in individuals affected with USH2A-related conditions. Algorithms developed to predict the effect of missense changes on protein structure and function are either unavailable or do not agree on the potential impact of this missense change (SIFT: "Deleterious"; PolyPhen-2: "Probably Damaging"; Align-GVGD: "Class C0"). In summary, the available evidence is currently insufficient to determine the role of this variant in disease. Therefore, it has been classified as a Variant of Uncertain Significance.

Institute of Human Genetics, Univ. Regensburg, Univ. Regensburg
Classification: Uncertain significance for Optic atrophy. Last evaluated: 2022-01-01. Review status: no assertion criteria provided. Criteria: ACMG Guidelines, 2015. Collection method: clinical testing. Allele origin: germline. Affected: yes. Not counted in ClinVar's aggregate classification.

Natera, Inc.
Classification: Uncertain significance for Usher syndrome type 2A. Last evaluated: 2020-02-21. Review status: no assertion criteria provided. Collection method: clinical testing. Allele origin: germline. Not counted in ClinVar's aggregate classification.